The following is an entry in ClinVar:

ClinVar aggregate classification (germline): Uncertain significance (1 of 4 stars; one submission).

Conditions:
Mosaic variegated aneuploidy syndrome 1 (MVA1). Also called: Warburton-Anyane-Yeboa syndrome. Identifiers: Orphanet 1052, MedGen C1850343, MONDO:0009759, OMIM 257300.

Submission:

Labcorp Genetics (formerly Invitae), Labcorp
Classification: Uncertain significance for Mosaic variegated aneuploidy syndrome 1. Last evaluated: 2024-02-13. Review status: criteria provided, single submitter. Criteria: Invitae Variant Classification Sherloc (09022015). Collection method: clinical testing. Allele origin: germline.
Comment: This sequence change replaces alanine, which is neutral and non-polar, with valine, which is neutral and non-polar, at codon 297 of the BUB1B protein (p.Ala297Val). This variant is not present in population databases (gnomAD no frequency). This variant has not been reported in the literature in individuals affected with BUB1B-related conditions. An algorithm developed to predict the effect of missense changes on protein structure and function (PolyPhen-2) suggests that this variant is likely to be disruptive. In summary, the available evidence is currently insufficient to determine the role of this variant in disease. Therefore, it has been classified as a Variant of Uncertain Significance.

NM_001211.6(BUB1B):c.890C>T (p.Ala297Val)

Gene: BUB1B (BUB1 mitotic checkpoint serine/threonine kinase B; plus strand). Cytogenetic location: 15q15.1.
Variant type: single nucleotide variant.
Coding change: c.890C>T on transcript NM_001211.6 (MANE Select); coding-DNA position 890, C replaced by T.
Protein change: p.Ala297Val; replaces alanine 297 with valine.
Molecular consequence: missense variant.
Genome position (GRCh38, 1-based): chr15:40,185,303, C>T. VCF-style: chr15-40185303-C-T. GRCh37 (hg19) VCF-style: chr15-40477504-C-T.
Other names: short protein forms A297V.
Identifiers: ClinVar variation 3640531 (VCV003640531.2).
Genomic context (GRCh38, chr15:40,185,303, plus strand): 5'-AAAATGCTGATGAGGCTTCTACAGCAGAGTTGTCTAAGCCTACAGTCCAGCCATGGATAG[C>T]ACCCCCCATGCCCAGGGCCAAAGAGAATGAGCTGCAAGCAGGCCCTTGGAACACAGGCAG-3'
Protein context (NP_001202.5, residues 287-307): LSKPTVQPWI[Ala297Val]PPMPRAKENE